The following is an entry in ClinVar:

NM_000059.4(BRCA2):c.10102T>C (p.Ser3368Pro)

Gene: BRCA2 (BRCA2 DNA repair associated; plus strand). Cytogenetic location: 13q13.1.
Variant type: single nucleotide variant.
Coding change: c.10102T>C on transcript NM_000059.4 (MANE Select); coding-DNA position 10102, T replaced by C.
Protein change: p.Ser3368Pro; replaces serine 3368 with proline.
Molecular consequence: missense variant.
Genome position (GRCh38, 1-based): chr13:32,398,615, T>C. VCF-style: chr13-32398615-T-C. GRCh37 (hg19) VCF-style: chr13-32972752-T-C.
Other names: NP_000050.3:p.Ser3368Pro; short protein forms S3368P.
Identifiers: ClinVar variation 191041 (VCV000191041.27), dbSNP rs786205482, ClinGen allele CA010245.
Genomic context (GRCh38, chr13:32,398,615, plus strand): 5'-AATACCCAAGCTCTTTTGTCTGGTTCAACAGGAGAAAAACAATTTATATCTGTCAGTGAA[T>C]CCACTAGGACTGCTCCCACCAGTTCAGAAGATTATCTCAGACTGAAACGACGTTGTACTA-3'
Protein context (NP_000050.3, residues 3358-3378): GEKQFISVSE[Ser3368Pro]TRTAPTSSED

ClinVar aggregate classification (germline): Conflicting classifications of pathogenicity. Review status: criteria provided, conflicting classifications (1 of 4 stars). 12 submissions from 12 submitters: Uncertain significance (6); Likely benign (5). 1 of the submissions does not count toward it. Last evaluated 2025-07-17.

Conditions:
BRCA2-related disorder. Also called: BRCA2-related condition; BRCA2-related disorders. Identifiers: MedGen CN239275.
Hereditary cancer-predisposing syndrome. Also called: Tumor predisposition; Neoplastic Syndromes, Hereditary; Hereditary Cancer Syndrome; Hereditary neoplastic syndrome. Identifiers: Orphanet 140162, MedGen C0027672, MeSH D009386, MONDO:0015356.
Hereditary breast ovarian cancer syndrome. Also called: Hereditary breast and ovarian cancer; Hereditary breast and/or ovarian cancer syndrome; BRCA1- and BRCA2-Associated Hereditary Breast and Ovarian Cancer; Breast and ovarian cancer; Hereditary breast and ovarian cancer syndrome; Hereditary breast and ovarian cancer syndrome (HBOC). Identifiers: Orphanet 145, MedGen C0677776, MeSH D061325, MONDO:0003582. Disease mechanism: loss of function.
Breast-ovarian cancer, familial, susceptibility to, 2 (BROVCA2). Also called: BRCA2 Hereditary Breast and Ovarian Cancer. Identifiers: Orphanet 145, MedGen C2675520, MONDO:0012933, OMIM 612555. Disease mechanism: loss of function.

Submissions (12):

Labcorp Genetics (formerly Invitae), Labcorp
Classification: Uncertain significance for Hereditary breast ovarian cancer syndrome. Last evaluated: 2025-07-17. Review status: criteria provided, single submitter. Criteria: Invitae Variant Classification Sherloc (09022015). Collection method: clinical testing. Allele origin: germline.
Comment: This sequence change replaces serine, which is neutral and polar, with proline, which is neutral and non-polar, at codon 3368 of the BRCA2 protein (p.Ser3368Pro). This variant is not present in population databases (gnomAD no frequency). This missense change has been observed in individual(s) with rectal cancer (PMID: 37306523). ClinVar contains an entry for this variant (Variation ID: 191041). Invitae Evidence Modeling of protein sequence and biophysical properties (such as structural, functional, and spatial information, amino acid conservation, physicochemical variation, residue mobility, and thermodynamic stability) indicates that this missense variant is not expected to disrupt BRCA2 protein function with a negative predictive value of 95%. In summary, the available evidence is currently insufficient to determine the role of this variant in disease. Therefore, it has been classified as a Variant of Uncertain Significance.

Quest Diagnostics Nichols Institute San Juan Capistrano
Classification: Uncertain significance. Last evaluated: 2024-08-09. Review status: criteria provided, single submitter. Criteria: Quest Diagnostics criteria. Collection method: clinical testing. Allele origin: unknown.
Comment: The BRCA2 c.10102T>C (p.Ser3368Pro) variant has been reported in the published literature in an individual with rectal cancer (PMID: 37306523 (2023)). The frequency of this variant in the general population, 0.0000066 (1/152140 chromosomes (Genome Aggregation Database)), is uninformative in the assessment of its pathogenicity. Analysis of this variant using bioinformatics tools for the prediction of the effect of amino acid changes on protein structure and function yielded predictions that this variant is benign. Based on the available information, we are unable to determine the clinical significance of this variant.

Revvity Omics, Revvity
Classification: Uncertain significance. Last evaluated: 2024-02-12. Review status: criteria provided, single submitter. Criteria: ACMG Guidelines, 2015. Collection method: clinical testing. Allele origin: germline.

Ambry Genetics
Classification: Uncertain significance for Hereditary cancer-predisposing syndrome. Last evaluated: 2023-10-28. Review status: criteria provided, single submitter. Criteria: Ambry Variant Classification Scheme 2023. Collection method: clinical testing. Allele origin: germline.
Comment: The p.S3368P variant (also known as c.10102T>C), located in coding exon 26 of the BRCA2 gene, results from a T to C substitution at nucleotide position 10102. The serine at codon 3368 is replaced by proline, an amino acid with similar properties. This amino acid position is not well conserved in available vertebrate species. In addition, this alteration is predicted to be tolerated by in silico analysis. Since supporting evidence is limited at this time, the clinical significance of this alteration remains unclear.

KCCC/NGS Laboratory, Kuwait Cancer Control Center
Classification: Likely benign for Breast-ovarian cancer, familial, susceptibility to, 2. Last evaluated: 2023-07-07. Review status: criteria provided, single submitter. Criteria: ACMG Guidelines, 2015. Collection method: clinical testing. Allele origin: germline. Affected: yes.

Blueprint Genetics
Classification: Likely benign. Last evaluated: 2023-01-17. Review status: criteria provided, single submitter. Criteria: ACMG Guidelines, 2015. Collection method: clinical testing. Allele origin: germline.

National Health Laboratory Service, Universitas Academic Hospital and University of the Free State
Classification: Likely benign for Hereditary breast ovarian cancer syndrome. Last evaluated: 2022-04-19. Review status: criteria provided, single submitter. Criteria: ACMG Guidelines, 2015. Collection method: clinical testing. Allele origin: germline. Affected: yes. Observed: 1 variant allele.

GeneDx
Classification: Likely benign. Last evaluated: 2020-02-05. Review status: criteria provided, single submitter. Criteria: GeneDx Variant Classification Process June 2021. Collection method: clinical testing. Allele origin: germline. Affected: yes.
Comment: This variant is associated with the following publications: (PMID: 26934577)

Color Diagnostics, LLC DBA Color Health
Classification: Uncertain significance for Hereditary cancer-predisposing syndrome. Last evaluated: 2019-08-01. Review status: criteria provided, single submitter. Criteria: ACMG Guidelines, 2015. Collection method: clinical testing. Allele origin: germline.
Comment: This missense variant replaces serine with proline at codon 3368 of the BRCA2 protein. Computational prediction tools and conservation analyses suggest that this variant may not impact the protein function. Computational splicing tools suggest that this variant may not impact RNA splicing. To our knowledge, functional assays have not been performed for this variant nor has this variant been reported in individuals affected with hereditary cancer in the literature. This variant has not been identified in the general population by the Genome Aggregation Database (gnomAD). Available evidence is insufficient to determine the role of this variant in disease conclusively. Therefore, this variant is classified as a Variant of Uncertain Significance.

Eurofins Ntd Llc (ga)
Classification: Uncertain significance. Last evaluated: 2016-10-03. Review status: criteria provided, single submitter. Criteria: EGL Classification Definitions 2015. Collection method: clinical testing. Allele origin: germline. Observed: 1 variant allele, 1 heterozygote.

Genomic Medicine Center of Excellence, King Faisal Specialist Hospital and Research Centre
Classification: Likely benign. Last evaluated: 2016-09-28. Review status: criteria provided, single submitter. Criteria: ACMG Guidelines, 2015. Collection method: research. Allele origin: germline. Affected: yes.

PreventionGenetics, part of Exact Sciences
Classification: Uncertain significance for BRCA2-related condition. Last evaluated: 2024-07-23. Review status: no assertion criteria provided. Collection method: clinical testing. Allele origin: germline. Not counted in ClinVar's aggregate classification.
Comment: The BRCA2 c.10102T>C variant is predicted to result in the amino acid substitution p.Ser3368Pro. This variant has been reported as a variant of uncertain significance in an individual with rectal cancer (Table S3, AlHarbi et al. 2023. PubMed ID: 37306523). This variant has not been reported in a large population database, indicating this variant is rare, and has conflicting interpretations regarding its pathogenicity in ClinVar ranging from uncertain significance to likely benign. At this time, the clinical significance of this variant is uncertain due to the absence of conclusive functional and genetic evidence.

Literature cited by the submitters: PubMed 37306523 (cited by Labcorp Genetics (formerly Invitae), Labcorp and Quest Diagnostics Nichols Institute San Juan Capistrano).